The following is an entry in ClinVar:

NM_198129.4(LAMA3):c.8807dup (p.Met2936fs)

Gene: LAMA3 (laminin subunit alpha 3; plus strand). Cytogenetic location: 18q11.2.
Variant type: Duplication.
Coding change: c.8807dup on transcript NM_198129.4 (MANE Select); coding-DNA position 8807, one base duplicated (T; older notation c.8807dupT).
Protein change: p.Met2936fs; shifts the reading frame from methionine 2936.
Molecular consequence: frameshift variant.
Genome position (GRCh38, 1-based): chr18:23,933,880, T duplicated. VCF-style (leftmost placement, unchanged base first): chr18-23933879-A-AT. GRCh37 (hg19) VCF-style: chr18-21513843-A-AT.
Other names: c.3980dup, p.Met1327fs (NM_000227.6); c.8639dup, p.Met2880fs (NM_001127717.4); c.3812dup, p.Met1271fs (NM_001127718.4); short protein forms M1327fs, M2936fs, M2880fs, M1271fs.
Identifiers: ClinVar variation 2112708 (VCV002112708.4), dbSNP rs2511580498, ClinGen allele CA2580095552.

ClinVar aggregate classification (germline): Pathogenic (1 of 4 stars; one submission).

Allele frequency attached by ClinVar (database versions not stated): gnomAD exomes below 0.00001.

Submission:

Labcorp Genetics (formerly Invitae), Labcorp
Classification: Pathogenic. Last evaluated: 2022-03-15. Review status: criteria provided, single submitter. Criteria: Invitae Variant Classification Sherloc (09022015). Collection method: clinical testing. Allele origin: germline.
Comment: For these reasons, this variant has been classified as Pathogenic. Algorithms developed to predict the effect of sequence changes on RNA splicing suggest that this variant may create or strengthen a splice site. This variant has not been reported in the literature in individuals affected with LAMA3-related conditions. This variant is not present in population databases (gnomAD no frequency). This sequence change creates a premature translational stop signal (p.Met1327Ilefs*4) in the LAMA3 gene. It is expected to result in an absent or disrupted protein product. Loss-of-function variants in LAMA3 are known to be pathogenic (PMID: 10366601, 11810295, 12915477, 16473856, 17362460, 22434185, 23869449, 27827380, 28087116).

Literature cited by the submitters: PubMed 10366601; PubMed 11810295; PubMed 12915477; PubMed 16473856; PubMed 17362460; PubMed 22434185; PubMed 23869449; PubMed 27827380; PubMed 28087116.